The following is an entry in ClinVar:

NM_000051.4(ATM):c.6831A>T (p.Gln2277His)

Genes: C11orf65 (chromosome 11 open reading frame 65; minus strand), ATM (ATM serine/threonine kinase; plus strand). Cytogenetic location: 11q22.3.
Variant type: single nucleotide variant.
Coding change: c.6831A>T on transcript NM_000051.4 (MANE Select); coding-DNA position 6831, A replaced by T.
Protein change: p.Gln2277His; replaces glutamine 2277 with histidine.
Molecular consequence: missense variant. On other transcripts: intron variant (2).
Genome position (GRCh38, 1-based): chr11:108,326,081, A>T. VCF-style: chr11-108326081-A-T. GRCh37 (hg19) VCF-style: chr11-108196808-A-T.
Other names: c.6831A>T, p.Gln2277His (NM_001351834.2); c.641-17010T>A (NM_001330368.2); c.*38+9139T>A (NM_001351110.2); short protein forms Q2277H.
Identifiers: ClinVar variation 490676 (VCV000490676.13), dbSNP rs1339794219, ClinGen allele CA382556559.

ClinVar aggregate classification (germline): Uncertain significance. Review status: criteria provided, multiple submitters, no conflicts (2 of 4 stars). 4 submissions from 4 submitters: Uncertain significance (4). Last evaluated 2025-02-10.

Conditions:
Hereditary cancer-predisposing syndrome. Also called: Neoplastic Syndromes, Hereditary; Hereditary Cancer Syndrome; Tumor predisposition; Hereditary neoplastic syndrome. Identifiers: Orphanet 140162, MedGen C0027672, MeSH D009386, MONDO:0015356.
Ataxia-telangiectasia syndrome (AT). Also called: LOUIS-BAR SYNDROME; Cerebello-oculocutaneous telangiectasia; Immunodeficiency with ataxia telangiectasia; Ataxia-telangiectasia, complementation group D; AT, COMPLEMENTATION GROUP C; Ataxia-telangiectasia, complementation group E. Identifiers: Orphanet 100, MedGen C0004135, MONDO:0008840, OMIM 208900.

Allele frequency attached by ClinVar (database versions not stated): gnomAD exomes below 0.00001; TOPMed below 0.00001.
gnomAD v4.1: 7 of 1,614,126 alleles (0.00043%); highest among the groups gnomAD compares: Middle Eastern, 0.017%; no homozygotes.

Submissions (4):

Quest Diagnostics Nichols Institute San Juan Capistrano
Classification: Uncertain significance. Last evaluated: 2025-02-10. Review status: criteria provided, single submitter. Criteria: Quest Diagnostics criteria. Collection method: clinical testing. Allele origin: unknown.

Ambry Genetics
Classification: Uncertain significance for Hereditary cancer-predisposing syndrome. Last evaluated: 2024-07-19. Review status: criteria provided, single submitter. Criteria: Ambry Variant Classification Scheme 2023. Collection method: clinical testing. Allele origin: germline.
Comment: The p.Q2277H variant (also known as c.6831A>T), located in coding exon 46 of the ATM gene, results from an A to T substitution at nucleotide position 6831. The glutamine at codon 2277 is replaced by histidine, an amino acid with highly similar properties. This alteration was identified in a cohort of individuals undergoing multigene panel testing due to risk for hereditary breast and ovarian cancer (Singh J et al. Breast Cancer Res. Treat. 2018 Jul;170:189-196). This amino acid position is well conserved in available vertebrate species. In addition, this alteration is predicted to be tolerated by in silico analysis. Since supporting evidence is limited at this time, the clinical significance of this alteration remains unclear.

Labcorp Genetics (formerly Invitae), Labcorp
Classification: Uncertain significance for Ataxia-telangiectasia syndrome. Last evaluated: 2022-05-20. Review status: criteria provided, single submitter. Criteria: Invitae Variant Classification Sherloc (09022015). Collection method: clinical testing. Allele origin: germline.
Comment: This sequence change replaces glutamine, which is neutral and polar, with histidine, which is basic and polar, at codon 2277 of the ATM protein (p.Gln2277His). This variant is present in population databases (no rsID available, gnomAD 0.003%). This missense change has been observed in individual(s) with breast and/or ovarian cancers (PMID: 29470806). ClinVar contains an entry for this variant (Variation ID: 490676). Advanced modeling of protein sequence and biophysical properties (such as structural, functional, and spatial information, amino acid conservation, physicochemical variation, residue mobility, and thermodynamic stability) performed at Invitae indicates that this missense variant is not expected to disrupt ATM protein function. In summary, the available evidence is currently insufficient to determine the role of this variant in disease. Therefore, it has been classified as a Variant of Uncertain Significance.

Color Diagnostics, LLC DBA Color Health
Classification: Uncertain significance for Hereditary cancer-predisposing syndrome. Last evaluated: 2019-06-06. Review status: criteria provided, single submitter. Criteria: ACMG Guidelines, 2015. Collection method: clinical testing. Allele origin: germline.

Literature cited by the submitters: PubMed 29470806 (cited by Ambry Genetics and Labcorp Genetics (formerly Invitae), Labcorp).